The following is an entry in ClinVar:

NM_018063.5(HELLS):c.2494T>C (p.Ser832Pro)

Gene: HELLS (helicase, lymphoid specific; plus strand). Cytogenetic location: 10q23.33.
Variant type: single nucleotide variant.
Coding change: c.2494T>C on transcript NM_018063.5 (MANE Select); coding-DNA position 2494, T replaced by C.
Protein change: p.Ser832Pro; replaces serine 832 with proline.
Molecular consequence: missense variant.
Genome position (GRCh38, 1-based): chr10:94,601,599, T>C. VCF-style: chr10-94601599-T-C. GRCh37 (hg19) VCF-style: chr10-96361356-T-C.
Other names: c.2632T>C, p.Ser878Pro (NM_001289067.2); c.2446T>C, p.Ser816Pro (NM_001289068.2); c.2398T>C, p.Ser800Pro (NM_001289069.2); c.2200T>C, p.Ser734Pro (NM_001289070.2); c.2122T>C, p.Ser708Pro (NM_001289071.2); c.2104T>C, p.Ser702Pro (NM_001289072.2); c.2080T>C, p.Ser694Pro (NM_001289073.2); c.1411T>C, p.Ser471Pro (NM_001289074.2); and 1 more; short protein forms S426P, S471P, S702P, S800P, S816P, S832P, S694P, S734P.
Identifiers: ClinVar variation 1480102 (VCV001480102.7), dbSNP rs766779610, ClinGen allele CA5615747.

ClinVar aggregate classification (germline): Uncertain significance (1 of 4 stars; one submission).

Allele frequency attached by ClinVar (database versions not stated): gnomAD exomes below 0.00001 and 0.00001; ExAC 0.00001.
gnomAD v4.1: 3 of 1,574,432 alleles (0.00019%); highest among the groups gnomAD compares: Admixed American, 0.0052%; no homozygotes.

Submission:

Labcorp Genetics (formerly Invitae), Labcorp
Classification: Uncertain significance. Last evaluated: 2022-07-18. Review status: criteria provided, single submitter. Criteria: Invitae Variant Classification Sherloc (09022015). Collection method: clinical testing. Allele origin: germline.
Comment: In summary, the available evidence is currently insufficient to determine the role of this variant in disease. Therefore, it has been classified as a Variant of Uncertain Significance. Algorithms developed to predict the effect of missense changes on protein structure and function are either unavailable or do not agree on the potential impact of this missense change (SIFT: "Deleterious"; PolyPhen-2: "Benign"; Align-GVGD: "Class C0"). ClinVar contains an entry for this variant (Variation ID: 1480102). This variant has not been reported in the literature in individuals affected with HELLS-related conditions. This variant is present in population databases (rs766779610, gnomAD 0.01%). This sequence change replaces serine, which is neutral and polar, with proline, which is neutral and non-polar, at codon 832 of the HELLS protein (p.Ser832Pro).